The following is an entry in ClinVar:

NM_001267550.2(TTN):c.82798G>A (p.Ala27600Thr)

Genes: TTN-AS1 (TTN antisense RNA 1; plus strand), TTN (titin; minus strand). Cytogenetic location: 2q31.2.
Variant type: single nucleotide variant.
Coding change: c.82798G>A on transcript NM_001267550.2 (MANE Select); coding-DNA position 82798, G replaced by A.
Protein change: p.Ala27600Thr; replaces alanine 27600 with threonine.
Molecular consequence: missense variant.
Genome position (GRCh38, 1-based): chr2:178,563,334, C>T on the plus strand (G>A on the coding strand, the complement: TTN is on the minus strand). VCF-style: chr2-178563334-C-T. GRCh37 (hg19) VCF-style: chr2-179428061-C-T.
Other names: p.A25032T:GCA>ACA; c.77875G>A, p.Ala25959Thr (NM_001256850.1); c.55603G>A, p.Ala18535Thr (NM_003319.4); c.75094G>A, p.Ala25032Thr (NM_133378.4); c.55978G>A, p.Ala18660Thr (NM_133432.3); c.56179G>A, p.Ala18727Thr (NM_133437.4); short protein forms A27600T, A25032T, A25959T, A18535T, A18660T, A18727T.
Identifiers: ClinVar variation 47418 (VCV000047418.40), dbSNP rs11896637, ClinGen allele CA283914.
Genomic context (GRCh38, chr2:178,563,334, plus strand): 5'-AGGTTGTCCATTCATCCGCAGCAGCTTCTTTGACCTCTACAACATAGCCTTTAACAGGTG[C>T]GCCACCATCATAAATTGGCTTACTCCATGCCAGGGAGACAGAAGATCTGGAAGTGTCCGT-3'
Protein context (NP_001254479.2, residues 27590-27610): AWSKPIYDGG[Ala27600Thr]PVKGYVVEVK

ClinVar aggregate classification (germline): Benign/Likely benign. Review status: criteria provided, multiple submitters, no conflicts (2 of 4 stars). 26 submissions from 19 submitters: Benign (20); Likely benign (2). 4 of the submissions do not count toward it. Last evaluated 2026-02-03.

Conditions:
Cardiovascular phenotype. Identifiers: MedGen CN230736.
Dilated cardiomyopathy 1G (CMD1G). Identifiers: Orphanet 154, MedGen C1858763, MONDO:0011400, OMIM 604145.
Autosomal recessive limb-girdle muscular dystrophy type 2J (LGMDR10). Also called: MUSCULAR DYSTROPHY, LIMB-GIRDLE, AUTOSOMAL RECESSIVE 10; Limb-girdle muscular dystrophy, type 2J. Identifiers: Orphanet 140922, MedGen C1837342, MONDO:0012127, OMIM 608807.
Cardiomyopathy (CMYO). Also called: Cardiomyopathies. Identifiers: Orphanet 167848, MedGen C0878544, MONDO:0004994, HP:0001638. Inheritance: Various modes of inheritance.
Early-onset myopathy with fatal cardiomyopathy (CMYO5). Also called: CONGENITAL MYOPATHY 5 WITH CARDIOMYOPATHY; Salih Myopathy. Identifiers: Orphanet 289377, MedGen C2673677, MONDO:0012714, OMIM 611705. Disease mechanism: loss of function.
Myopathy, myofibrillar, 9, with early respiratory failure (MFM9). Also called: Myopathy, distal, with early respiratory failure, autosomal dominant; Hereditary myopathy with early respiratory failure; MYOPATHY, PROXIMAL, WITH EARLY RESPIRATORY MUSCLE INVOLVEMENT; EDSTROM MYOPATHY. Identifiers: Orphanet 178464, Orphanet 34521, MedGen C1863599, MONDO:0011362, OMIM 603689.
Tibial muscular dystrophy (TMD). Also called: Udd Distal Myopathy – Tibial Muscular Dystrophy; Tibial muscular dystrophy, tardive; UDD MYOPATHY. Identifiers: Orphanet 609, MedGen C1838244, MONDO:0010870, OMIM 600334.

Allele frequency attached by ClinVar (database versions not stated): gnomAD exomes 0.00856 and 0.00366; ExAC 0.01056; 1000 Genomes Project 30x 0.03779; gnomAD 0.03272 and 0.03502; TOPMed 0.03734; 1000 Genomes Project 0.03554; ESP Exome Variant Server 0.03250.
gnomAD v4.1: 10,545 of 1,613,570 alleles (0.65%); highest among the groups gnomAD compares: African/African-American, 11%; 523 homozygotes.

Submissions (26):

Labcorp Genetics (formerly Invitae), Labcorp
Classification: Benign for Dilated cardiomyopathy 1G; Autosomal recessive limb-girdle muscular dystrophy type 2J. Last evaluated: 2026-02-03. Review status: criteria provided, single submitter. Criteria: Invitae Variant Classification Sherloc (09022015). Collection method: clinical testing. Allele origin: germline.

Molecular Diagnostic Laboratory for Inherited Cardiovascular Disease, Montreal Heart Institute
Classification: Benign. Last evaluated: 2025-04-09. Review status: criteria provided, single submitter. Criteria: ACMG Guidelines, 2015. Collection method: clinical testing. Allele origin: germline. Affected: no.

CHEO Genetics Diagnostic Laboratory, Children's Hospital of Eastern Ontario
Classification: Benign for Cardiomyopathy. Last evaluated: 2023-05-16. Review status: criteria provided, single submitter. Criteria: ACMG Guidelines, 2015. Collection method: clinical testing. Allele origin: germline.

Genetic Services Laboratory, University of Chicago
Classification: Benign. Last evaluated: 2022-01-07. Review status: criteria provided, single submitter. Criteria: ACMG Guidelines, 2015. Collection method: clinical testing. Allele origin: germline. Affected: no.

Genome-Nilou Lab
Classification: Benign for Autosomal recessive limb-girdle muscular dystrophy type 2J. Last evaluated: 2021-09-10. Review status: criteria provided, single submitter. Criteria: ACMG Guidelines, 2015. Collection method: clinical testing. Allele origin: germline. Affected: no.

Genome-Nilou Lab
Classification: Benign for Myopathy, myofibrillar, 9, with early respiratory failure. Last evaluated: 2021-09-10. Review status: criteria provided, single submitter. Criteria: ACMG Guidelines, 2015. Collection method: clinical testing. Allele origin: germline. Affected: no.

Genome-Nilou Lab
Classification: Benign for Early-onset myopathy with fatal cardiomyopathy. Last evaluated: 2021-09-10. Review status: criteria provided, single submitter. Criteria: ACMG Guidelines, 2015. Collection method: clinical testing. Allele origin: germline. Affected: no.

Genome-Nilou Lab
Classification: Benign for Tibial muscular dystrophy. Last evaluated: 2021-09-10. Review status: criteria provided, single submitter. Criteria: ACMG Guidelines, 2015. Collection method: clinical testing. Allele origin: germline. Affected: no.

Women's Health and Genetics/Laboratory Corporation of America, LabCorp
Classification: Likely benign. Last evaluated: 2020-10-19. Review status: criteria provided, single submitter. Criteria: LabCorp Variant Classification Summary - May 2015. Collection method: clinical testing. Allele origin: germline.

Mayo Clinic Laboratories, Mayo Clinic
Classification: Benign. Last evaluated: 2018-02-07. Review status: criteria provided, single submitter. Criteria: ACMG Guidelines, 2015. Collection method: clinical testing. Allele origin: germline. Observed: 69 variant alleles.

Illumina Laboratory Services, Illumina
Classification: Benign for Tibial muscular dystrophy. Last evaluated: 2018-01-12. Review status: criteria provided, single submitter. Criteria: ICSL Variant Classification Criteria 13 December 2019. Collection method: clinical testing. Allele origin: germline.
Comment: This variant was observed in the ICSL laboratory as part of a predisposition screen in an ostensibly healthy population. It had not been previously curated by ICSL or reported in the Human Gene Mutation Database (HGMD: prior to June 1st, 2018), and was therefore a candidate for classification through an automated scoring system. Utilizing variant allele frequency, disease prevalence and penetrance estimates, and inheritance mode, an automated score was calculated to assess if this variant is too frequent to cause the disease. Based on the score and internal cut-off values, a variant classified as benign is not then subjected to further curation. The score for this variant resulted in a classification of benign for this disease.

Illumina Laboratory Services, Illumina
Classification: Benign for Myopathy, myofibrillar, 9, with early respiratory failure. Last evaluated: 2018-01-12. Review status: criteria provided, single submitter. Criteria: ICSL Variant Classification Criteria 13 December 2019. Collection method: clinical testing. Allele origin: germline.
Comment: the same text as in the submission from Illumina Laboratory Services, Illumina above.

Illumina Laboratory Services, Illumina
Classification: Benign for Early-onset myopathy with fatal cardiomyopathy. Last evaluated: 2018-01-12. Review status: criteria provided, single submitter. Criteria: ICSL Variant Classification Criteria 13 December 2019. Collection method: clinical testing. Allele origin: germline.
Comment: the same text as in the submission from Illumina Laboratory Services, Illumina above.

Illumina Laboratory Services, Illumina
Classification: Benign for Autosomal recessive limb-girdle muscular dystrophy type 2J. Last evaluated: 2018-01-12. Review status: criteria provided, single submitter. Criteria: ICSL Variant Classification Criteria 13 December 2019. Collection method: clinical testing. Allele origin: germline.
Comment: the same text as in the submission from Illumina Laboratory Services, Illumina above.

Illumina Laboratory Services, Illumina
Classification: Benign for Dilated cardiomyopathy 1G. Last evaluated: 2018-01-12. Review status: criteria provided, single submitter. Criteria: ICSL Variant Classification Criteria 13 December 2019. Collection method: clinical testing. Allele origin: germline.
Comment: the same text as in the submission from Illumina Laboratory Services, Illumina above.

Athena Diagnostics
Classification: Benign. Last evaluated: 2015-05-06. Review status: criteria provided, single submitter. Criteria: Athena Diagnostics Criteria. Collection method: clinical testing. Allele origin: germline.

Biesecker Lab/Clinical Genomics Section, National Institutes of Health
Classification: Benign. Last evaluated: 2013-06-24. Review status: criteria provided, single submitter. Criteria: Ng et al. (Circ Cardiovasc Genet. 2013). Collection method: research. Allele origin: unknown. Observed: 10 variant alleles. Study: ClinSeq.
Comment: The study set was not selected for affection status in relation to any cancer. Pathogenicity categories were based on literature curation. See Pubmed ID:23861362 for details.

Medical sequencing

GeneDx
Classification: Benign. Last evaluated: 2013-04-30. Review status: criteria provided, single submitter. Criteria: GeneDx Variant Classification (06012015). Collection method: clinical testing. Allele origin: germline. Affected: yes.
Comment: This variant is considered likely benign or benign based on one or more of the following criteria: it is a conservative change, it occurs at a poorly conserved position in the protein, it is predicted to be benign by multiple in silico algorithms, and/or has population frequency not consistent with disease.

Ambry Genetics
Classification: Benign for Cardiovascular phenotype. Last evaluated: 2012-12-14. Review status: criteria provided, single submitter. Criteria: Ambry Autosomal Dominant and X-Linked criteria (10/2015). Collection method: clinical testing. Allele origin: germline. Observed: 1 variant allele.

Laboratory for Molecular Medicine, Mass General Brigham Personalized Medicine
Classification: Benign. Last evaluated: 2012-04-24. Review status: criteria provided, single submitter. Criteria: LMM Criteria. Collection method: clinical testing. Allele origin: germline. Observed: 53 variant alleles.
Comment: Ala25032Thr in exon 275 of TTN: This variant is not expected to have clinical si gnificance because it has been identified in 9.5% (323/3075) of African American chromosomes from a broad population by the NHLBI Exome Sequencing Project.

Breakthrough Genomics
Classification: Likely benign. Review status: criteria provided, single submitter. Criteria: ACMG Guidelines, 2015. Collection method: not provided. Allele origin: germline. Inheritance: Autosomal recessive inheritance. Affected: yes.

PreventionGenetics, part of Exact Sciences
Classification: Benign. Review status: criteria provided, single submitter. Criteria: ACMG Guidelines, 2015. Collection method: clinical testing. Allele origin: germline.

Clinical Genetics DNA and cytogenetics Diagnostics Lab, Erasmus MC, Erasmus Medical Center
Classification: Benign. Review status: no assertion criteria provided. Collection method: clinical testing. Allele origin: germline. Affected: yes. Study: VKGL Data-share Consensus. Not counted in ClinVar's aggregate classification.

Clinical Genetics, Academic Medical Center
Classification: Benign. Review status: no assertion criteria provided. Collection method: clinical testing. Allele origin: germline. Affected: yes. Study: VKGL Data-share Consensus. Not counted in ClinVar's aggregate classification.

Joint Genome Diagnostic Labs from Nijmegen and Maastricht, Radboudumc and MUMC+
Classification: Benign. Review status: no assertion criteria provided. Collection method: clinical testing. Allele origin: germline. Affected: yes. Study: VKGL Data-share Consensus. Not counted in ClinVar's aggregate classification.

Laboratory of Diagnostic Genome Analysis, Leiden University Medical Center (LUMC)
Classification: Likely benign. Review status: no assertion criteria provided. Collection method: clinical testing. Allele origin: germline. Affected: yes. Study: VKGL Data-share Consensus. Not counted in ClinVar's aggregate classification.